The following is an entry in ClinVar:

NM_001137669.2(RGSL1):c.735G>A (p.Arg245=)

Gene: RGSL1 (regulator of G protein signaling like 1; plus strand). Cytogenetic location: 1q25.3.
Variant type: single nucleotide variant.
Coding change: c.735G>A on transcript NM_001137669.2 (MANE Select); coding-DNA position 735, G replaced by A.
Protein change: p.Arg245=; no amino-acid change (arginine 245 retained).
Molecular consequence: synonymous variant.
Genome position (GRCh38, 1-based): chr1:182,473,846, G>A. VCF-style: chr1-182473846-G-A. GRCh37 (hg19) VCF-style: chr1-182442981-G-A.
Other names: c.840G>A, p.Arg280= (NM_001366934.1).
Identifiers: ClinVar variation 2639618 (VCV002639618.24), dbSNP rs200246535, ClinGen allele CA1277576.

ClinVar aggregate classification (germline): Likely benign (1 of 4 stars; one submission).

Allele frequency attached by ClinVar (database versions not stated): 1000 Genomes Project 0.00080; 1000 Genomes Project 30x 0.00109; gnomAD exomes 0.00123; ExAC 0.00133; gnomAD 0.00151; ESP Exome Variant Server 0.00175; TOPMed 0.00175.
gnomAD v4.1: 2,101 of 1,551,682 alleles (0.14%); highest among the groups gnomAD compares: Middle Eastern, 2.7%; 12 homozygotes.

Submission:

CeGaT Center for Human Genetics Tuebingen
Classification: Likely benign. Last evaluated: 2023-04-01. Review status: criteria provided, single submitter. Criteria: CeGaT Center For Human Genetics Tuebingen Variant Classification Criteria Version 2. Collection method: clinical testing. Allele origin: germline. Affected: yes. Observed: 1 variant allele.
Comment: RGSL1: BP4, BP7, BS2